The following is an entry in ClinVar:

NM_012186.3(FOXE3):c.724G>C (p.Ala242Pro)

Genes: FOXE3 (forkhead box E3; plus strand), LINC01389 (long independently transcribed non-coding RNA 1389; minus strand). Cytogenetic location: 1p33.
Variant type: single nucleotide variant.
Coding change: c.724G>C on transcript NM_012186.3 (MANE Select); coding-DNA position 724, G replaced by C.
Protein change: p.Ala242Pro; replaces alanine 242 with proline.
Molecular consequence: missense variant.
Genome position (GRCh38, 1-based): chr1:47,417,039, G>C. VCF-style: chr1-47417039-G-C. GRCh37 (hg19) VCF-style: chr1-47882711-G-C.
Other names: short protein forms A242P.
Identifiers: ClinVar variation 3749310 (VCV003749310.2).

ClinVar aggregate classification (germline): Uncertain significance (1 of 4 stars; one submission).

Conditions:
Congenital primary aphakia. Also called: Anterior segment dysgenesis 2, multiple subtypes; ANTERIOR SEGMENT DYSGENESIS 2. Identifiers: Orphanet 83461, MedGen C1853230, MONDO:0012456, OMIM 610256.
Anterior segment dysgenesis. Also called: Ocular anterior segment dysgenesis. Identifiers: Orphanet 88632, MedGen C1862839, MONDO:0019503, HP:0007700.

gnomAD v4.1: 3 of 1,320,280 alleles (0.00023%); highest among the groups gnomAD compares: Middle Eastern, 0.029%; no homozygotes.

Submission:

Labcorp Genetics (formerly Invitae), Labcorp
Classification: Uncertain significance for Anterior segment dysgenesis; Congenital primary aphakia. Last evaluated: 2024-11-18. Review status: criteria provided, single submitter. Criteria: Invitae Variant Classification Sherloc (09022015). Collection method: clinical testing. Allele origin: germline.
Comment: This sequence change replaces alanine, which is neutral and non-polar, with proline, which is neutral and non-polar, at codon 242 of the FOXE3 protein (p.Ala242Pro). This variant is not present in population databases (gnomAD no frequency). This variant has not been reported in the literature in individuals affected with FOXE3-related conditions. Invitae Evidence Modeling of protein sequence and biophysical properties (such as structural, functional, and spatial information, amino acid conservation, physicochemical variation, residue mobility, and thermodynamic stability) indicates that this missense variant is not expected to disrupt FOXE3 protein function with a negative predictive value of 80%. In summary, the available evidence is currently insufficient to determine the role of this variant in disease. Therefore, it has been classified as a Variant of Uncertain Significance.